The following is an entry in ClinVar:

ClinVar aggregate classification (germline): Uncertain significance (1 of 4 stars; one submission).

Submission:

Labcorp Genetics (formerly Invitae), Labcorp
Classification: Uncertain significance. Last evaluated: 2020-12-29. Review status: criteria provided, single submitter. Criteria: Invitae Variant Classification Sherloc (09022015). Collection method: clinical testing. Allele origin: germline.
Comment: This sequence change replaces proline with threonine at codon 1709 of the COL27A1 protein (p.Pro1709Thr). The proline residue is highly conserved and there is a small physicochemical difference between proline and threonine. This variant is not present in population databases (ExAC no frequency). This variant has not been reported in the literature in individuals with COL27A1-related conditions. Advanced modeling of protein sequence and biophysical properties (such as structural, functional, and spatial information, amino acid conservation, physicochemical variation, residue mobility, and thermodynamic stability) performed at Invitae indicates that this missense variant is not expected to disrupt COL27A1 protein function. In summary, the available evidence is currently insufficient to determine the role of this variant in disease. Therefore, it has been classified as a Variant of Uncertain Significance.

NM_032888.4(COL27A1):c.5125C>A (p.Pro1709Thr)

Gene: COL27A1 (collagen type XXVII alpha 1 chain; plus strand). Cytogenetic location: 9q32.
Variant type: single nucleotide variant.
Coding change: c.5125C>A on transcript NM_032888.4 (MANE Select); coding-DNA position 5125, C replaced by A.
Protein change: p.Pro1709Thr; replaces proline 1709 with threonine.
Molecular consequence: missense variant.
Genome position (GRCh38, 1-based): chr9:114,307,686, C>A. VCF-style: chr9-114307686-C-A. GRCh37 (hg19) VCF-style: chr9-117069966-C-A.
Other names: short protein forms P1709T.
Identifiers: ClinVar variation 1920355 (VCV001920355.2), dbSNP rs1829155086, ClinGen allele CA374596243.